The following is an entry in ClinVar:

NM_000517.6(HBA2):c.196dup (p.Ala66fs)

Genes: HBA2 (hemoglobin subunit alpha 2; plus strand), LOC106804612 (hemoglobin subunit alpha 2 recombination region; plus strand). Cytogenetic location: 16p13.3.
Variant type: Duplication.
Coding change: c.196dup on transcript NM_000517.6 (MANE Select); coding-DNA position 196, one base duplicated (G; older notation c.196dupG).
Protein change: p.Ala66fs; shifts the reading frame from alanine 66.
Molecular consequence: frameshift variant.
Genome position (GRCh38, 1-based): chr16:173,225, G duplicated. VCF-style (leftmost placement, unchanged base first): chr16-173224-C-CG. GRCh37 (hg19) VCF-style: chr16-223223-C-CG.
Other names: short protein forms A66fs.
Identifiers: ClinVar variation 4818640 (VCV004818640.1).
Genomic context (GRCh38, chr16:173,224, plus strand): 5'-GCACTTCGACCTGAGCCACGGCTCTGCCCAGGTTAAGGGCCACGGCAAGAAGGTGGCCGA[C>CG]GCGCTGACCAACGCCGTGGCGCACGTGGACGACATGCCCAACGCGCTGTCCGCCCTGAGC-3'

ClinVar aggregate classification (germline): Likely pathogenic (1 of 4 stars; one submission).

Conditions:
alpha Thalassemia. Also called: Alpha thalassemia spectrum. Identifiers: Orphanet 846, MedGen C0002312, MONDO:0011399, OMIM 604131.

Submission:

Natera, Inc.
Classification: Likely pathogenic for Alpha thalassemia. Last evaluated: 2025-12-03. Review status: criteria provided, single submitter. Criteria: Natera Variant Classification Schema (03/2026). Collection method: clinical testing. Allele origin: germline.
Comment: The c.196dup variant in HBA2 is a frameshift variant predicted to elongate the protein beyond the termination codon. This variant is expected to result in nonsense mediated decay, truncation, or a dysfunctional protein product. This variant is rare in the general population with a frequency below the threshold expected for the associated phenotype(s). Given the available evidence, this variant is classified as Likely Pathogenic.